The following is an entry in ClinVar:

NM_006035.4(CDC42BPB):c.5101C>T (p.Leu1701Phe)

Gene: CDC42BPB (CDC42 binding protein kinase beta; minus strand). Cytogenetic location: 14q32.32.
Variant type: single nucleotide variant.
Coding change: c.5101C>T on transcript NM_006035.4 (MANE Select); coding-DNA position 5101, C replaced by T.
Protein change: p.Leu1701Phe; replaces leucine 1701 with phenylalanine.
Molecular consequence: missense variant.
Genome position (GRCh38, 1-based): chr14:102,933,747, G>A on the plus strand (C>T on the coding strand, the complement: CDC42BPB is on the minus strand). VCF-style: chr14-102933747-G-A. GRCh37 (hg19) VCF-style: chr14-103400084-G-A.
Other names: c.5023C>T, p.Leu1675Phe (NM_001411054.1); short protein forms L1675F, L1701F.
Identifiers: ClinVar variation 3035941 (VCV003035941.2), dbSNP rs140640502, ClinGen allele CA391070590.
Genomic context (GRCh38, chr14:102,933,747, plus strand): 5'-TGGCCCCTGTGGCGAGCTGGCGGCTTCAGGTGTCACAGGCCGGCTGCTCCAGGCCTTCGA[G>A]GGGGAGCTGGCTCCTGTGGGGGGAGTTGGGGCTCGGTGGGCCGCTGGGGTTGGAGCTATT-3'
Protein context (NP_006026.3, residues 1691-1711): PNSPHRSQLP[Leu1701Phe]EGLEQPACDT

ClinVar aggregate classification (germline): Uncertain significance (0 of 4 stars; one submission).

Conditions:
CDC42BPB-related disorder.

Allele frequency attached by ClinVar (database versions not stated): 1000 Genomes Project 30x 0.00016.
gnomAD v4.1: 21 of 1,494,710 alleles (0.0014%); highest among the groups gnomAD compares: East Asian, 0.0027%; no homozygotes.

Submission:

PreventionGenetics, part of Exact Sciences
Classification: Uncertain significance for CDC42BPB-related condition. Last evaluated: 2024-01-03. Review status: no assertion criteria provided. Collection method: clinical testing. Allele origin: germline.
Comment: The CDC42BPB c.5101C>T variant is predicted to result in the amino acid substitution p.Leu1701Phe. To our knowledge, this variant has not been reported in the literature. This variant is reported in 0.012% of alleles in individuals of East Asian descent in gnomAD. At this time, the clinical significance of this variant is uncertain due to the absence of conclusive functional and genetic evidence.